The following is an entry in ClinVar:

ClinVar aggregate classification (germline): Uncertain significance. Review status: criteria provided, multiple submitters, no conflicts (2 of 4 stars). 2 submissions from 2 submitters: Uncertain significance (2). Last evaluated 2023-08-04.

Conditions:
Aortic aneurysm, familial thoracic 10 (AAT10). Identifiers: MedGen C4284414, MONDO:0014950, OMIM 617168.

Allele frequency attached by ClinVar (database versions not stated): gnomAD exomes below 0.00001 and 0.00001; gnomAD 0.00001; TOPMed 0.00001.
gnomAD v4.1: 5 of 1,546,938 alleles (0.00032%); highest among the groups gnomAD compares: Non-Finnish European, 0.00043%; no homozygotes.

Submissions (2):

Labcorp Genetics (formerly Invitae), Labcorp
Classification: Uncertain significance. Last evaluated: 2023-08-04. Review status: criteria provided, single submitter. Criteria: Invitae Variant Classification Sherloc (09022015). Collection method: clinical testing. Allele origin: germline.
Comment: This sequence change replaces isoleucine, which is neutral and non-polar, with asparagine, which is neutral and polar, at codon 46 of the LOX protein (p.Ile46Asn). The frequency data for this variant in the population databases is considered unreliable, as metrics indicate poor data quality at this position in the gnomAD database. This variant has not been reported in the literature in individuals affected with LOX-related conditions. ClinVar contains an entry for this variant (Variation ID: 1679409). Advanced modeling of protein sequence and biophysical properties (such as structural, functional, and spatial information, amino acid conservation, physicochemical variation, residue mobility, and thermodynamic stability) has been performed at Invitae for this missense variant, however the output from this modeling did not meet the statistical confidence thresholds required to predict the impact of this variant on LOX protein function. In summary, the available evidence is currently insufficient to determine the role of this variant in disease. Therefore, it has been classified as a Variant of Uncertain Significance.

Department of Clinical Genetics, Copenhagen University Hospital, Rigshospitalet
Classification: Uncertain significance for Aortic aneurysm, familial thoracic 10. Last evaluated: 2021-08-01. Review status: criteria provided, single submitter. Criteria: ACMG Guidelines, 2015. Collection method: clinical testing. Allele origin: unknown. Affected: yes.

NM_002317.7(LOX):c.137T>A (p.Ile46Asn)

Genes: LOX (lysyl oxidase; minus strand), SRFBP1 (serum response factor binding protein 1; plus strand). Cytogenetic location: 5q23.1.
Variant type: single nucleotide variant.
Coding change: c.137T>A on transcript NM_002317.7 (MANE Select); coding-DNA position 137, T replaced by A.
Protein change: p.Ile46Asn; replaces isoleucine 46 with asparagine.
Molecular consequence: missense variant.
Genome position (GRCh38, 1-based): chr5:122,077,849, A>T on the plus strand (T>A on the coding strand, the complement: LOX is on the minus strand). VCF-style: chr5-122077849-A-T. GRCh37 (hg19) VCF-style: chr5-121413544-A-T.
Other names: short protein forms I46N.
Identifiers: ClinVar variation 1679409 (VCV001679409.8), dbSNP rs1230077744, ClinGen allele CA360878100.
Genomic context (GRCh38, chr5:122,077,849, plus strand): 5'-GGCTGGTACTGTGAGCCCAGGCTCAGCAAGCTGAACACCTGCCCGTTGTTCTCCCATTGG[A>T]TCTGCTGGCGCCAGGCGCCCGGAGCCGCCGGCGGCTCGCGCGGGGGCTGCTGTTGGCCGG-3'
Protein context (NP_002308.2, residues 36-56): PAAPGAWRQQ[Ile46Asn]QWENNGQVFS